The following is an entry in ClinVar:

NM_004599.4(SREBF2):c.3055C>T (p.Arg1019Cys)

Gene: SREBF2 (sterol regulatory element binding transcription factor 2; plus strand). Cytogenetic location: 22q13.2.
Variant type: single nucleotide variant.
Coding change: c.3055C>T on transcript NM_004599.4 (MANE Select); coding-DNA position 3055, C replaced by T.
Protein change: p.Arg1019Cys; replaces arginine 1019 with cysteine.
Molecular consequence: missense variant. On other transcripts: non-coding transcript variant (1).
Genome position (GRCh38, 1-based): chr22:41,903,117, C>T. VCF-style: chr22-41903117-C-T. GRCh37 (hg19) VCF-style: chr22-42299121-C-T.
Other names: c.3055C>T (NM_004599.3); short protein forms R1019C.
Identifiers: ClinVar variation 2607141 (VCV002607141.3), dbSNP rs774482430, ClinGen allele CA10262197.

ClinVar aggregate classification (germline): Uncertain significance. Review status: criteria provided, multiple submitters, no conflicts (2 of 4 stars). 2 submissions from 2 submitters: Uncertain significance (2). Last evaluated 2026-03-26.

Conditions:
SREBF2-related disorder. Also called: SREBF2-related condiiton.

Allele frequency attached by ClinVar (database versions not stated): gnomAD 0.00001; gnomAD exomes 0.00001; TOPMed 0.00001.
gnomAD v4.1: 19 of 1,561,862 alleles (0.0012%); highest among the groups gnomAD compares: Admixed American, 0.0019%; no homozygotes.

Submissions (2):

PreventionGenetics, part of Exact Sciences
Classification: Uncertain significance for SREBF2-related condition. Last evaluated: 2026-03-26. Review status: criteria provided, single submitter. Criteria: ACMG Guidelines, 2015. Collection method: clinical testing. Allele origin: germline.
Comment: The SREBF2 c.3055C>T variant is predicted to result in the amino acid substitution p.Arg1019Cys. To our knowledge, this variant has not been reported in the literature. This variant is reported in 0.0015% of alleles in individuals of European (Non-Finnish) descent in gnomAD. At this time, the clinical significance of this variant is uncertain due to the absence of conclusive functional and genetic evidence.

Ambry Genetics
Classification: Uncertain significance. Last evaluated: 2023-07-25. Review status: criteria provided, single submitter. Criteria: Ambry Variant Classification Scheme 2023. Collection method: clinical testing. Allele origin: germline.